The following is an entry in ClinVar:

ClinVar aggregate classification (germline): Uncertain significance (1 of 4 stars; one submission).

Allele frequency attached by ClinVar (database versions not stated): gnomAD exomes below 0.00001; gnomAD 0.00001; TOPMed 0.00002.
gnomAD v4.1: 3 of 1,611,322 alleles (0.00019%); highest among the groups gnomAD compares: African/African-American, 0.004%; no homozygotes.

Submission:

Labcorp Genetics (formerly Invitae), Labcorp
Classification: Uncertain significance. Last evaluated: 2022-07-14. Review status: criteria provided, single submitter. Criteria: Invitae Variant Classification Sherloc (09022015). Collection method: clinical testing. Allele origin: germline.
Comment: This variant is not present in population databases (gnomAD no frequency). In summary, the available evidence is currently insufficient to determine the role of this variant in disease. Therefore, it has been classified as a Variant of Uncertain Significance. Algorithms developed to predict the effect of missense changes on protein structure and function are either unavailable or do not agree on the potential impact of this missense change (SIFT: "Deleterious"; PolyPhen-2: "Not Available"; Align-GVGD: "Class C0"). This variant has not been reported in the literature in individuals affected with PCLO-related conditions. This sequence change replaces lysine, which is basic and polar, with glutamine, which is neutral and polar, at codon 5121 of the PCLO protein (p.Lys5121Gln).

NM_033026.6(PCLO):c.15361A>C (p.Lys5121Gln)

Gene: PCLO (piccolo presynaptic cytomatrix protein; minus strand). Cytogenetic location: 7q21.11.
Variant type: single nucleotide variant.
Coding change: c.15361A>C on transcript NM_033026.6 (MANE Select); coding-DNA position 15361, A replaced by C.
Protein change: p.Lys5121Gln; replaces lysine 5121 with glutamine.
Molecular consequence: missense variant.
Genome position (GRCh38, 1-based): chr7:82,758,643, T>G on the plus strand (A>C on the coding strand, the complement: PCLO is on the minus strand). VCF-style: chr7-82758643-T-G. GRCh37 (hg19) VCF-style: chr7-82387959-T-G.
Other names: short protein forms K5121Q.
Identifiers: ClinVar variation 2413261 (VCV002413261.4), dbSNP rs944293598, ClinGen allele CA161686279.